The following is an entry in ClinVar:

ClinVar aggregate classification (germline): Uncertain significance (1 of 4 stars; one submission).

Conditions:
Inborn genetic diseases. Identifiers: MedGen C0950123, MeSH D030342.

Submission:

Ambry Genetics
Classification: Uncertain significance for Inborn genetic diseases. Last evaluated: 2024-12-15. Review status: criteria provided, single submitter. Criteria: Ambry Variant Classification Scheme 2023. Collection method: clinical testing. Allele origin: germline.
Comment: The p.D351N variant (also known as c.1051G>A), located in coding exon 1 of the SAMD9L gene, results from a G to A substitution at nucleotide position 1051. The aspartic acid at codon 351 is replaced by asparagine, an amino acid with highly similar properties. This amino acid position is conserved. In addition, this alteration is predicted to be tolerated by in silico analysis. Based on the available evidence, the clinical significance of this variant remains unclear.

NM_152703.5(SAMD9L):c.1051G>A (p.Asp351Asn)

Gene: SAMD9L (sterile alpha motif domain containing 9 like; minus strand). Cytogenetic location: 7q21.2.
Variant type: single nucleotide variant.
Coding change: c.1051G>A on transcript NM_152703.5 (MANE Select); coding-DNA position 1051, G replaced by A.
Protein change: p.Asp351Asn; replaces aspartic acid 351 with asparagine.
Molecular consequence: missense variant.
Genome position (GRCh38, 1-based): chr7:93,134,921, C>T on the plus strand (G>A on the coding strand, the complement: SAMD9L is on the minus strand). VCF-style: chr7-93134921-C-T. GRCh37 (hg19) VCF-style: chr7-92764234-C-T.
Other names: c.1051G>A, p.Asp351Asn (NM_001303496.3, NM_001303497.3, NM_001303498.3 and 5 more transcripts); short protein forms D351N.
Identifiers: ClinVar variation 3792212 (VCV003792212.1).